The following is an entry in ClinVar:

NM_001723.7(DST):c.6396del (p.Phe2132_Leu2133insTer)

Gene: DST (dystonin; minus strand). Cytogenetic location: 6p12.1.
Variant type: Deletion.
Coding change: c.6396del on transcript NM_001723.7 (MANE Plus Clinical); coding-DNA position 6396, one base deleted (T; older notation c.6396delT).
Protein change: p.Phe2132_Leu2133insTer.
Molecular consequence: frameshift variant. On other transcripts: intron variant (10).
Genome position (GRCh38, 1-based): chr6:56,617,071, A deleted on the plus strand (T on the coding strand, the reverse complement: DST is on the minus strand); the first of 3 consecutive A bases (chr6:56,617,071-56,617,073); deleting any one gives the same sequence. VCF-style (leftmost placement, unchanged base first): chr6-56617070-GA-G. GRCh37 (hg19) VCF-style: chr6-56481868-GA-G.
Other names: c.4831-2587del (NM_001144769.5); c.4930-2587del (NM_001374722.1, NM_001374736.1); c.4957-2587del (NM_001374734.1); c.4417-2587del (NM_001144770.2); c.4297-2587del (NM_001374730.1, NM_001386100.1, NM_183380.4 and 1 more transcripts); c.3319-2587del (NM_015548.5).
Identifiers: ClinVar variation 504405 (VCV000504405.2), dbSNP rs748845919, ClinGen allele CA3870176.

ClinVar aggregate classification (germline): Likely pathogenic (1 of 4 stars; one submission).

Submission:

GeneDx
Classification: Likely pathogenic. Last evaluated: 2018-02-19. Review status: criteria provided, single submitter. Criteria: GeneDx Variant Classification (06012015). Collection method: clinical testing. Allele origin: germline. Affected: yes.
Comment: The c.6396delT variant in the DST gene has not been reported previously as a pathogenic variant, nor as a benign variant, to our knowledge. The c.6396delT variant changes codon Leucine 2133 to a premature Stop codon, denoted p.Leu2133Ter. This variant is predicted to cause loss of normal protein function through protein truncation. The c.6396delT variant is not observed at a significant frequency in large population cohorts (Lek et al., 2016). We interpret c.6396delT as a likely pathogenic variant.